The following is an entry in ClinVar:

NM_173628.4(DNAH17):c.7787G>T (p.Gly2596Val)

Gene: DNAH17 (dynein axonemal heavy chain 17; minus strand). Cytogenetic location: 17q25.3.
Variant type: single nucleotide variant.
Coding change: c.7787G>T on transcript NM_173628.4 (MANE Select); coding-DNA position 7787, G replaced by T.
Protein change: p.Gly2596Val; replaces glycine 2596 with valine.
Molecular consequence: missense variant.
Genome position (GRCh38, 1-based): chr17:78,479,598, C>A on the plus strand (G>T on the coding strand, the complement: DNAH17 is on the minus strand). VCF-style: chr17-78479598-C-A. GRCh37 (hg19) VCF-style: chr17-76475680-C-A.
Other names: short protein forms G2596V.
Identifiers: ClinVar variation 1702691 (VCV001702691.5), dbSNP rs61744345, ClinGen allele CA8802140.
Genomic context (GRCh38, chr17:78,479,598, plus strand): 5'-GAGCGGAAGGCCAGGTGCTGCGTCAGGATTGTGTTGTAGATGGTGGTGAGGGCCTCCTGG[C>A]CGGGGAAGCTCACAGCAAACACGCAGAAATGGCGCTACCCCAAAACAACCAAACACTCCA-3'
Protein context (NP_775899.3, residues 2586-2606): HFCVFAVSFP[Gly2596Val]QEALTTIYNT

ClinVar aggregate classification (germline): Uncertain significance. Review status: criteria provided, multiple submitters, no conflicts (2 of 4 stars). 2 submissions from 2 submitters: Uncertain significance (2). Last evaluated 2022-02-17.

Conditions:
Inborn genetic diseases. Identifiers: MedGen C0950123, MeSH D030342.

Allele frequency attached by ClinVar (database versions not stated): gnomAD exomes 0.00006; ExAC 0.00007; gnomAD 0.00037 and 0.00039; ESP Exome Variant Server 0.00040; TOPMed 0.00047.
gnomAD v4.1: 117 of 1,613,374 alleles (0.0073%); highest among the groups gnomAD compares: African/African-American, 0.14%; no homozygotes.

Submissions (2):

GeneDx
Classification: Uncertain significance. Last evaluated: 2022-02-17. Review status: criteria provided, single submitter. Criteria: GeneDx Variant Classification Process June 2021. Collection method: clinical testing. Allele origin: germline. Affected: yes.
Comment: In silico analysis supports that this missense variant has a deleterious effect on protein structure/function; Has not been previously published as pathogenic or benign to our knowledge

Ambry Genetics
Classification: Uncertain significance for Inborn genetic diseases. Last evaluated: 2021-07-20. Review status: criteria provided, single submitter. Criteria: Ambry Variant Classification Scheme 2023. Collection method: clinical testing. Allele origin: germline.